The following is an entry in ClinVar:

NM_001242896.3(DEPDC5):c.3366C>T (p.Asp1122=)

Gene: DEPDC5 (DEP domain containing 5, GATOR1 subcomplex subunit; plus strand). Cytogenetic location: 22q12.3.
Variant type: single nucleotide variant.
Coding change: c.3366C>T on transcript NM_001242896.3 (MANE Select); coding-DNA position 3366, C replaced by T.
Protein change: p.Asp1122=; no amino-acid change (aspartic acid 1122 retained).
Molecular consequence: synonymous variant. On other transcripts: non-coding transcript variant (5).
Genome position (GRCh38, 1-based): chr22:31,870,625, C>T. VCF-style: chr22-31870625-C-T. GRCh37 (hg19) VCF-style: chr22-32266611-C-T.
Other names: c.3339C>T, p.Asp1113= (NM_001136029.4); c.3066C>T, p.Asp1022= (NM_001242897.2); c.3300C>T, p.Asp1100= (NM_001363852.2, NM_001364320.2); c.3132C>T, p.Asp1044= (NM_001363854.2, NM_001364319.2); c.3366C>T, p.Asp1122= (NM_001364318.2); c.3282C>T, p.Asp1094= (NM_001369901.1, NM_001369902.1); c.3273C>T, p.Asp1091= (NM_001369903.1, NM_014662.6).
Identifiers: ClinVar variation 534817 (VCV000534817.53), dbSNP rs375702574, ClinGen allele CA10196969.
Genomic context (GRCh38, chr22:31,870,625, plus strand): 5'-GTATTCATTTTTAAATCTCCTGCAGGTATCTGTGGACCAAACAGCCACTCCTATGTTGGA[C>T]GGCACCAGTTTGGGCATATGCACAGGCCAATCCATGGACAGAGGCAACAGCCAGACCTTT-3'
Protein context (NP_001229825.1, residues 1112-1132): SVDQTATPML[Asp1122=]GTSLGICTGQ

ClinVar aggregate classification (germline): Likely benign. Review status: criteria provided, multiple submitters, no conflicts (2 of 4 stars). 6 submissions from 6 submitters: Likely benign (6). Last evaluated 2026-03-01.

Conditions:
Familial focal epilepsy with variable foci (FPEVF). Identifiers: Orphanet 98820, MedGen C1858477, MONDO:0020310.
Inborn genetic diseases. Identifiers: MedGen C0950123, MeSH D030342.

Allele frequency attached by ClinVar (database versions not stated): gnomAD 0.00003 and 0.00004; TOPMed 0.00003; ESP Exome Variant Server 0.00016.
gnomAD v4.1: 118 of 1,583,874 alleles (0.0075%); highest among the groups gnomAD compares: Middle Eastern, 0.1%; no homozygotes.

Submissions (6):

CeGaT Center for Human Genetics Tuebingen
Classification: Likely benign. Last evaluated: 2026-03-01. Review status: criteria provided, single submitter. Criteria: CeGaT Center For Human Genetics Tuebingen Variant Classification Criteria Version 2. Collection method: clinical testing. Allele origin: germline. Affected: yes. Observed: 3 variant alleles.
Comment: DEPDC5: BP4, BP7

Labcorp Genetics (formerly Invitae), Labcorp
Classification: Likely benign for Familial focal epilepsy with variable foci. Last evaluated: 2026-01-16. Review status: criteria provided, single submitter. Criteria: Invitae Variant Classification Sherloc (09022015). Collection method: clinical testing. Allele origin: germline.

ARUP Laboratories, Molecular Genetics and Genomics, ARUP Laboratories
Classification: Likely benign. Last evaluated: 2025-03-20. Review status: criteria provided, single submitter. Criteria: ARUP Molecular Germline Variant Investigation Process 2024. Collection method: clinical testing. Allele origin: germline.

Blueprint Genetics
Classification: Likely benign. Last evaluated: 2024-06-27. Review status: criteria provided, single submitter. Criteria: ACMG Guidelines, 2015. Collection method: clinical testing. Allele origin: germline.

GeneDx
Classification: Likely benign. Last evaluated: 2019-03-05. Review status: criteria provided, single submitter. Criteria: GeneDx Variant Classification Process June 2021. Collection method: clinical testing. Allele origin: germline. Affected: yes.

Ambry Genetics
Classification: Likely benign for Inborn genetic diseases. Last evaluated: 2017-01-31. Review status: criteria provided, single submitter. Criteria: Ambry Variant Classification Scheme 2023. Collection method: clinical testing. Allele origin: germline.